The following is an entry in ClinVar:

ClinVar aggregate classification (germline): Benign/Likely benign. Review status: criteria provided, multiple submitters, no conflicts (2 of 4 stars). 7 submissions from 7 submitters: Benign (4); Likely benign (3). Last evaluated 2026-01-01.

Conditions:
Familial cold autoinflammatory syndrome 2 (FCAS2). Identifiers: Orphanet 247868, MedGen C2673198, MONDO:0012724, OMIM 611762.
Autoinflammatory syndrome. Identifiers: Orphanet 93665, MedGen C3890737, MONDO:0019751.

Allele frequency attached by ClinVar (database versions not stated): gnomAD exomes 0.00022 and 0.00053; ExAC 0.00069; gnomAD 0.00184 and 0.00191; TOPMed 0.00226; ESP Exome Variant Server 0.00246; 1000 Genomes Project 30x 0.00328; 1000 Genomes Project 0.00379.
gnomAD v4.1: 652 of 1,614,102 alleles (0.04%); highest among the groups gnomAD compares: African/African-American, 0.7%; 3 homozygotes.

Submissions (7):

Labcorp Genetics (formerly Invitae), Labcorp
Classification: Benign for Familial cold autoinflammatory syndrome 2. Last evaluated: 2026-01-01. Review status: criteria provided, single submitter. Criteria: Invitae Variant Classification Sherloc (09022015). Collection method: clinical testing. Allele origin: germline.

ARUP Laboratories, Molecular Genetics and Genomics, ARUP Laboratories
Classification: Benign for Familial cold autoinflammatory syndrome 2. Last evaluated: 2025-06-04. Review status: criteria provided, single submitter. Criteria: ARUP Molecular Germline Variant Investigation Process 2024. Collection method: clinical testing. Allele origin: germline.

Blueprint Genetics
Classification: Likely benign. Last evaluated: 2024-11-14. Review status: criteria provided, single submitter. Criteria: ACMG Guidelines, 2015. Collection method: clinical testing. Allele origin: germline.

CeGaT Center for Human Genetics Tuebingen
Classification: Likely benign. Last evaluated: 2023-06-01. Review status: criteria provided, single submitter. Criteria: CeGaT Center For Human Genetics Tuebingen Variant Classification Criteria Version 2. Collection method: clinical testing. Allele origin: germline. Affected: yes. Observed: 1 variant allele.
Comment: NLRP12: BP4, BP7

Fulgent Genetics
Classification: Likely benign for Familial cold autoinflammatory syndrome 2. Last evaluated: 2022-04-05. Review status: criteria provided, single submitter. Criteria: ACMG Guidelines, 2015. Collection method: clinical testing. Allele origin: unknown.

Genome Diagnostics Laboratory, The Hospital for Sick Children
Classification: Benign for Autoinflammatory syndrome. Last evaluated: 2021-03-25. Review status: criteria provided, single submitter. Criteria: ACMG Guidelines, 2015. Collection method: clinical testing. Allele origin: germline. Affected: yes.

Breakthrough Genomics
Classification: Benign. Review status: criteria provided, single submitter. Criteria: ACMG Guidelines, 2015. Collection method: not provided. Allele origin: germline. Inheritance: Autosomal dominant inheritance. Affected: yes.

NM_144687.4(NLRP12):c.819T>C (p.Pro273=)

Gene: NLRP12 (NLR family pyrin domain containing 12; minus strand). Cytogenetic location: 19q13.42.
Variant type: single nucleotide variant.
Coding change: c.819T>C on transcript NM_144687.4 (MANE Select); coding-DNA position 819, T replaced by C.
Protein change: p.Pro273=; no amino-acid change (proline 273 retained).
Molecular consequence: synonymous variant.
Genome position (GRCh38, 1-based): chr19:53,810,840, A>G on the plus strand (T>C on the coding strand, the complement: NLRP12 is on the minus strand). VCF-style: chr19-53810840-A-G. GRCh37 (hg19) VCF-style: chr19-54314094-A-G.
Other names: c.819T>C, p.Pro273= (NM_001277126.2, NM_001277129.1).
Identifiers: ClinVar variation 536937 (VCV000536937.47), dbSNP rs59749540, ClinGen allele CA9639603.
Genomic context (GRCh38, chr19:53,810,840, plus strand): 5'-GATGATGAAAAGGAGGCGCTCGGGAACTCGGATGAGCTCCTGGAGAGGCGCGCTGGGCTC[A>G]GGCCAGCAGCTGAAGATGAGGTCTTGCATGCTGCATTCCGTGGCACTCTGGTTCATCTCC-3'
Protein context (NP_653288.1, residues 263-283): SMQDLIFSCW[Pro273=]EPSAPLQELI